The following is an entry in ClinVar:

NM_032043.3(BRIP1):c.2431_2432delinsTTC (p.Leu811fs)

Gene: BRIP1 (BRCA1 interacting DNA helicase 1; minus strand). Cytogenetic location: 17q23.2.
Variant type: Indel.
Coding change: c.2431_2432delinsTTC on transcript NM_032043.3 (MANE Select); coding-DNA positions 2431 to 2432, CT replaced by TTC.
Protein change: p.Leu811fs; shifts the reading frame from leucine 811.
Molecular consequence: frameshift variant.
Genome position (GRCh38, 1-based): chr17:61,716,011-61,716,012, AG replaced by GAA on the plus strand (CT replaced by TTC on the coding strand, the reverse complement: BRIP1 is on the minus strand). VCF-style: chr17-61716011-AG-GAA. GRCh37 (hg19) VCF-style: chr17-59793372-AG-GAA.
Other names: short protein forms L811fs.
Identifiers: ClinVar variation 2583620 (VCV002583620.2), dbSNP rs2544697127, ClinGen allele CA2582342202.
Genomic context (GRCh38, chr17:61,716,011, plus strand): 5'-CTACCAAGGGCCTGGTTTAAGGCCCTGTATGCTTGAATTTCATACCACTGACGGCCAGGT[AG>GAA]AAGACCTCTCAATTTTGAATGGTGGTCATTGTATTGTCGTTTTAGTTCAACCTAATAATT-3'

ClinVar aggregate classification (germline): Pathogenic (1 of 4 stars; one submission).

Conditions:
Familial cancer of breast. Also called: Hereditary breast cancer; BREAST CANCER, FAMILIAL; hereditary breast carcinoma. Identifiers: Orphanet 227535, MedGen C0346153, MONDO:0016419, OMIM 114480. Disease mechanism: loss of function.

Submission:

Myriad Genetics, Inc.
Classification: Pathogenic for Familial cancer of breast. Last evaluated: 2023-06-06. Review status: criteria provided, single submitter. Criteria: Myriad Autosomal Dominant, Autosomal Recessive and X-Linked Classification Criteria (2023). Collection method: clinical testing. Allele origin: unknown.
Comment: This variant is considered pathogenic. This variant creates a frameshift predicted to result in premature protein truncation.